The following is an entry in ClinVar:

ClinVar aggregate classification (germline): Uncertain significance (1 of 4 stars; one submission).

Conditions:
Fanconi anemia (FA). Also called: Fanconi's anemia. Identifiers: Orphanet 84, MedGen C0015625, MeSH D005199, MONDO:0019391.
Fanconi anemia complementation group I (FANCI). Also called: FANCI-Related Fanconi Anemia. Identifiers: Orphanet 84, MedGen C1836861, MONDO:0012186, OMIM 609053.

Allele frequency attached by ClinVar (database versions not stated): TOPMed 0.00002.
gnomAD v4.1: 3 of 1,613,992 alleles (0.00019%); highest among the groups gnomAD compares: Non-Finnish European, 0.00025%; no homozygotes.

Submission:

Labcorp Genetics (formerly Invitae), Labcorp
Classification: Uncertain significance for Fanconi anemia. Last evaluated: 2022-07-19. Review status: criteria provided, single submitter. Criteria: Invitae Variant Classification Sherloc (09022015). Collection method: clinical testing. Allele origin: germline.
Comment: This sequence change replaces serine, which is neutral and polar, with arginine, which is basic and polar, at codon 552 of the FANCI protein (p.Ser552Arg). This variant is not present in population databases (gnomAD no frequency). This variant has not been reported in the literature in individuals affected with FANCI-related conditions. ClinVar contains an entry for this variant (Variation ID: 408256). Algorithms developed to predict the effect of missense changes on protein structure and function are either unavailable or do not agree on the potential impact of this missense change (SIFT: "Deleterious"; PolyPhen-2: "Benign"; Align-GVGD: "Class C15"). Algorithms developed to predict the effect of sequence changes on RNA splicing suggest that this variant may disrupt the consensus splice site. In summary, the available evidence is currently insufficient to determine the role of this variant in disease. Therefore, it has been classified as a Variant of Uncertain Significance.

NM_001113378.2(FANCI):c.1656C>G (p.Ser552Arg)

Gene: FANCI (FA complementation group I; plus strand). Cytogenetic location: 15q26.1.
Variant type: single nucleotide variant.
Coding change: c.1656C>G on transcript NM_001113378.2 (MANE Select); coding-DNA position 1656, C replaced by G.
Protein change: p.Ser552Arg; replaces serine 552 with arginine.
Molecular consequence: missense variant.
Genome position (GRCh38, 1-based): chr15:89,283,208, C>G. VCF-style: chr15-89283208-C-G. GRCh37 (hg19) VCF-style: chr15-89826439-C-G.
Other names: c.1377C>G, p.Ser459Arg (NM_001376910.1); c.1656C>G, p.Ser552Arg (NM_001376911.1, NM_018193.3); short protein forms S552R, S459R.
Identifiers: ClinVar variation 408256 (VCV000408256.5), dbSNP rs1060501901, ClinGen allele CA16614515.